The following is an entry in ClinVar:

ClinVar aggregate classification (germline): Benign/Likely benign. Review status: criteria provided, multiple submitters, no conflicts (2 of 4 stars). 2 submissions from 2 submitters: Benign (1); Likely benign (1). Last evaluated 2025-11-24.

Allele frequency attached by ClinVar (database versions not stated): gnomAD 0.00847 and 0.00899; TOPMed 0.00971; ESP Exome Variant Server 0.00931; 1000 Genomes Project 0.01178; gnomAD exomes 0.00223; 1000 Genomes Project 30x 0.01187; ExAC 0.00292.

Submissions (2):

Mayo Clinic Laboratories, Mayo Clinic
Classification: Likely benign. Last evaluated: 2025-11-24. Review status: criteria provided, single submitter. Criteria: ACMG Guidelines, 2015. Collection method: clinical testing. Allele origin: germline. Observed: 17 variant alleles.
Comment: BS1, BP4_moderate

Labcorp Genetics (formerly Invitae), Labcorp
Classification: Benign. Last evaluated: 2018-06-21. Review status: criteria provided, single submitter. Criteria: Invitae Variant Classification Sherloc (09022015). Collection method: clinical testing. Allele origin: germline.

Literature cited by the submitters: PubMed 17874450 (cited by Mayo Clinic Laboratories, Mayo Clinic); PubMed 27830006 (cited by Mayo Clinic Laboratories, Mayo Clinic).

NM_016633.4(AHSP):c.298C>A (p.Pro100Thr)

Gene: AHSP (alpha hemoglobin stabilizing protein; plus strand). Cytogenetic location: 16p11.2.
Variant type: single nucleotide variant.
Coding change: c.298C>A on transcript NM_016633.4 (MANE Select); coding-DNA position 298, C replaced by A.
Protein change: p.Pro100Thr; replaces proline 100 with threonine.
Molecular consequence: missense variant.
Genome position (GRCh38, 1-based): chr16:31,528,680, C>A. VCF-style: chr16-31528680-C-A. GRCh37 (hg19) VCF-style: chr16-31540001-C-A.
Other names: p.Pro100Thr; c.298C>A, p.Pro100Thr (NM_001318221.2, NM_001318222.2); short protein forms P100T.
Identifiers: ClinVar variation 789834 (VCV000789834.4), dbSNP rs36018996, ClinGen allele CA8032128.